The following is an entry in ClinVar:

ClinVar aggregate classification (germline): Uncertain significance. Review status: criteria provided, multiple submitters, no conflicts (2 of 4 stars). 2 submissions from 2 submitters: Uncertain significance (2). Last evaluated 2024-05-23.

Conditions:
Inborn genetic diseases. Identifiers: MedGen C0950123, MeSH D030342.
Hyperphosphatasia with impaired intellectual development syndrome 2. Also called: Hyperphosphatasia with intellectual disability syndrome 2; GLYCOSYLPHOSPHATIDYLINOSITOL BIOSYNTHESIS DEFECT 6. Identifiers: Orphanet 247262, MedGen C3553637, MONDO:0013882, OMIM 614749.

Allele frequency attached by ClinVar (database versions not stated): TOPMed 0.00002.
gnomAD v4.1: 1 of 1,613,876 alleles (0.000062%); no homozygotes.

Submissions (2):

Ambry Genetics
Classification: Uncertain significance for Inborn genetic diseases. Last evaluated: 2024-05-23. Review status: criteria provided, single submitter. Criteria: Ambry Variant Classification Scheme 2023. Collection method: clinical testing. Allele origin: germline.

Labcorp Genetics (formerly Invitae), Labcorp
Classification: Uncertain significance for Hyperphosphatasia with impaired intellectual development syndrome 2. Last evaluated: 2021-08-27. Review status: criteria provided, single submitter. Criteria: Invitae Variant Classification Sherloc (09022015). Collection method: clinical testing. Allele origin: germline.
Comment: This sequence change replaces leucine with methionine at codon 958 of the PIGO protein (p.Leu958Met). The leucine residue is moderately conserved and there is a small physicochemical difference between leucine and methionine. This variant is not present in population databases (ExAC no frequency). This variant has not been reported in the literature in individuals affected with PIGO-related conditions. Algorithms developed to predict the effect of missense changes on protein structure and function are either unavailable or do not agree on the potential impact of this missense change (SIFT: "Tolerated"; PolyPhen-2: "Probably Damaging"; Align-GVGD: "Class C0"). In summary, the available evidence is currently insufficient to determine the role of this variant in disease. Therefore, it has been classified as a Variant of Uncertain Significance.

NM_032634.4(PIGO):c.2872C>A (p.Leu958Met)

Gene: PIGO (phosphatidylinositol glycan anchor biosynthesis class O; minus strand). Cytogenetic location: 9p13.3.
Variant type: single nucleotide variant.
Coding change: c.2872C>A on transcript NM_032634.4 (MANE Select); coding-DNA position 2872, C replaced by A.
Protein change: p.Leu958Met; replaces leucine 958 with methionine.
Molecular consequence: missense variant.
Genome position (GRCh38, 1-based): chr9:35,090,263, G>T on the plus strand (C>A on the coding strand, the complement: PIGO is on the minus strand). VCF-style: chr9-35090263-G-T. GRCh37 (hg19) VCF-style: chr9-35090260-G-T.
Other names: c.1621C>A, p.Leu541Met (NM_001201484.2, NM_152850.4); short protein forms L958M, L541M.
Identifiers: ClinVar variation 540448 (VCV000540448.7), dbSNP rs991755076, ClinGen allele CA192708478.